The following is an entry in ClinVar:

ClinVar aggregate classification (germline): Uncertain significance (1 of 4 stars; one submission).

Submission:

Labcorp Genetics (formerly Invitae), Labcorp
Classification: Uncertain significance. Last evaluated: 2024-08-29. Review status: criteria provided, single submitter. Criteria: Invitae Variant Classification Sherloc (09022015). Collection method: clinical testing. Allele origin: germline.
Comment: This sequence change replaces valine, which is neutral and non-polar, with leucine, which is neutral and non-polar, at codon 407 of the SCN3A protein (p.Val407Leu). This variant is not present in population databases (gnomAD no frequency). This variant has not been reported in the literature in individuals affected with SCN3A-related conditions. Invitae Evidence Modeling of protein sequence and biophysical properties (such as structural, functional, and spatial information, amino acid conservation, physicochemical variation, residue mobility, and thermodynamic stability) indicates that this missense variant is expected to disrupt SCN3A protein function with a positive predictive value of 95%. In summary, the available evidence is currently insufficient to determine the role of this variant in disease. Therefore, it has been classified as a Variant of Uncertain Significance.

NM_006922.4(SCN3A):c.1219G>C (p.Val407Leu)

Gene: SCN3A (sodium voltage-gated channel alpha subunit 3; minus strand). Cytogenetic location: 2q24.3.
Variant type: single nucleotide variant.
Coding change: c.1219G>C on transcript NM_006922.4 (MANE Select); coding-DNA position 1219, G replaced by C.
Protein change: p.Val407Leu; replaces valine 407 with leucine.
Molecular consequence: missense variant.
Genome position (GRCh38, 1-based): chr2:165,154,613, C>G on the plus strand (G>C on the coding strand, the complement: SCN3A is on the minus strand). VCF-style: chr2-165154613-C-G. GRCh37 (hg19) VCF-style: chr2-166011123-C-G.
Other names: c.1219G>C, p.Val407Leu (NM_001081676.2, NM_001081677.2); short protein forms V407L.
Identifiers: ClinVar variation 3663986 (VCV003663986.2).